The following is an entry in ClinVar:

ClinVar aggregate classification (germline): Uncertain significance (1 of 4 stars; one submission).

Submission:

Labcorp Genetics (formerly Invitae), Labcorp
Classification: Uncertain significance. Last evaluated: 2022-08-23. Review status: criteria provided, single submitter. Criteria: Invitae Variant Classification Sherloc (09022015). Collection method: clinical testing. Allele origin: germline.
Comment: Algorithms developed to predict the effect of sequence changes on RNA splicing suggest that this variant may disrupt the consensus splice site. This variant, c.329_331del, results in the deletion of 1 amino acid(s) of the PEX3 protein (p.Ile110del), but otherwise preserves the integrity of the reading frame. This variant is not present in population databases (gnomAD no frequency). This variant has not been reported in the literature in individuals affected with PEX3-related conditions. Experimental studies and prediction algorithms are not available or were not evaluated, and the functional significance of this variant is currently unknown. In summary, the available evidence is currently insufficient to determine the role of this variant in disease. Therefore, it has been classified as a Variant of Uncertain Significance.

NM_003630.3(PEX3):c.326TAA[1] (p.Ile110del)

Gene: PEX3 (peroxisomal biogenesis factor 3; plus strand). Cytogenetic location: 6q24.2.
Variant type: Microsatellite.
Coding change: c.326TAA[1] on transcript NM_003630.3 (MANE Select); one copy of the 3-base unit TAA starting at c.326; the reference has two copies in a row; one copy, 3 bases deleted.
Protein change: p.Ile110del; deletes isoleucine 110.
Molecular consequence: inframe deletion.
Genome position (GRCh38, 1-based): chr6:143,468,163-143,468,165, TAA deleted; deleting any 3 consecutive bases within chr6:143,468,159-143,468,165 gives the same sequence; the position shown is the placement nearest the transcript's 3' end. VCF-style (leftmost placement, unchanged base first): chr6-143468158-GATA-G. GRCh37 (hg19) VCF-style: chr6-143789295-GATA-G.
Other names: short protein forms I110del.
Identifiers: ClinVar variation 1418500 (VCV001418500.6), dbSNP rs2128746350, ClinGen allele CA2580615788.